The following is an entry in ClinVar:

NM_000264.5(PTCH1):c.476T>C (p.Ile159Thr)

Gene: PTCH1 (patched 1; minus strand). Cytogenetic location: 9q22.32.
Variant type: single nucleotide variant.
Coding change: c.476T>C on transcript NM_000264.5 (MANE Select); coding-DNA position 476, T replaced by C.
Protein change: p.Ile159Thr; replaces isoleucine 159 with threonine.
Molecular consequence: missense variant. On other transcripts: non-coding transcript variant (1).
Genome position (GRCh38, 1-based): chr9:95,485,793, A>G on the plus strand (T>C on the coding strand, the complement: PTCH1 is on the minus strand). VCF-style: chr9-95485793-A-G. GRCh37 (hg19) VCF-style: chr9-98248075-A-G.
Other names: c.278T>C, p.Ile93Thr (NM_001083602.3, NM_001354919.2); c.473T>C, p.Ile158Thr (NM_001083603.3); c.23T>C, p.Ile8Thr (NM_001083604.3, NM_001083605.3, NM_001083606.3 and 1 more transcripts); c.476T>C, p.Ile159Thr (NM_001354918.2); short protein forms I158T, I159T, I8T, I93T.
Identifiers: ClinVar variation 1742962 (VCV001742962.3), dbSNP rs2118545425, ClinGen allele CA374117016.

ClinVar aggregate classification (germline): Uncertain significance (1 of 4 stars; one submission).

Conditions:
Hereditary cancer-predisposing syndrome. Also called: Neoplastic Syndromes, Hereditary; Tumor predisposition; Hereditary Cancer Syndrome; Hereditary neoplastic syndrome. Identifiers: Orphanet 140162, MedGen C0027672, MeSH D009386, MONDO:0015356.

Submission:

Ambry Genetics
Classification: Uncertain significance for Hereditary cancer-predisposing syndrome. Last evaluated: 2026-04-22. Review status: criteria provided, single submitter. Criteria: Ambry Variant Classification Scheme 2023. Collection method: clinical testing. Allele origin: germline.
Comment: The p.I159T variant (also known as c.476T>C), located in coding exon 3 of the PTCH1 gene, results from a T to C substitution at nucleotide position 476. The isoleucine at codon 159 is replaced by threonine, an amino acid with similar properties. This amino acid position is conserved. In addition, this alteration is predicted to be deleterious by in silico analysis. Based on the available evidence, the clinical significance of this variant remains unclear.